The following is an entry in ClinVar:

NM_001692.4(ATP6V1B1):c.1381_1384dup (p.Tyr462fs)

Gene: ATP6V1B1 (ATPase H+ transporting V1 subunit B1; plus strand). Cytogenetic location: 2p13.3.
Variant type: Duplication.
Coding change: c.1381_1384dup on transcript NM_001692.4 (MANE Select); coding-DNA positions 1381 to 1384, 4 bases duplicated (CCCT; older notation c.1381_1384dupCCCT).
Protein change: p.Tyr462fs; shifts the reading frame from tyrosine 462.
Molecular consequence: frameshift variant.
Genome position (GRCh38, 1-based): chr2:70,964,960-70,964,963, CCCT duplicated. VCF-style (leftmost placement, unchanged base first): chr2-70964959-C-CCCCT. GRCh37 (hg19) VCF-style: chr2-71192089-C-CCCCT.
Other names: short protein forms Y462fs.
Identifiers: ClinVar variation 4063435 (VCV004063435.2).

ClinVar aggregate classification (germline): Likely pathogenic (1 of 4 stars; one submission).

Conditions:
Renal tubular acidosis with progressive nerve deafness. Also called: RENAL TUBULAR ACIDOSIS, AUTOSOMAL RECESSIVE, WITH PROGRESSIVE NERVE DEAFNESS; RTA WITH PROGRESSIVE NERVE DEAFNESS; Distal Renal Tubular Acidosis with Progressive Sensorineural Deafness; renal tubular acidosis, distal, 2, with progressive sensorineural hearing loss. Identifiers: MedGen C0403554, MONDO:0009968, OMIM 267300.

Submission:

Natera, Inc.
Classification: Likely pathogenic for Renal tubular acidosis with progressive nerve deafness. Last evaluated: 2025-03-20. Review status: criteria provided, single submitter. Criteria: Natera Variant Classification Schema (03/2026). Collection method: clinical testing. Allele origin: germline.
Comment: The c.1381_1384dup variant in ATP6V1B1 is a frameshift variant predicted to shift the reading frame beginning at codon 462 and leads to a stop codon 50 codons downstream. This variant is expected to result in nonsense mediated decay, truncation, or a dysfunctional protein product. This variant is rare in the general population with a frequency below the threshold expected for the associated phenotype(s). Given the available evidence, this variant is classified as Likely Pathogenic.